The following is an entry in ClinVar:

NM_005670.4(EPM2A):c.133A>C (p.Thr45Pro)

Genes: EPM2A (EPM2A glucan phosphatase, laforin; minus strand), EPM2A-DT (EPM2A divergent transcript; plus strand), LOC129997381 (ATAC-STARR-seq lymphoblastoid silent region 17642; plus strand). Cytogenetic location: 6q24.3.
Variant type: single nucleotide variant.
Coding change: c.133A>C on transcript NM_005670.4 (MANE Select); coding-DNA position 133, A replaced by C.
Protein change: p.Thr45Pro; replaces threonine 45 with proline.
Molecular consequence: missense variant. On other transcripts: 5 prime UTR variant (3), intron variant (1).
Genome position (GRCh38, 1-based): chr6:145,735,366, T>G on the plus strand (A>C on the coding strand, the complement: EPM2A is on the minus strand). VCF-style: chr6-145735366-T-G. GRCh37 (hg19) VCF-style: chr6-146056502-T-G.
Other names: c.133A>C, p.Thr45Pro (NM_001018041.2, NM_001360057.2, NM_001368130.1); c.-537A>C (NM_001360071.2); c.-491A>C (NM_001368129.2); c.-235A>C (NM_001368131.1); c.-114+542A>C (NM_001360064.2); short protein forms T45P.
Identifiers: ClinVar variation 2394183 (VCV002394183.5), dbSNP rs2128649753, ClinGen allele CA366188263.

ClinVar aggregate classification (germline): Uncertain significance. Review status: criteria provided, single submitter (1 of 4 stars). 2 submissions from 2 submitters: Uncertain significance (1). 1 of the submissions does not count toward it. Last evaluated 2025-12-08.

Conditions:
Inborn genetic diseases. Identifiers: MedGen C0950123, MeSH D030342.
EPM2A-related disorder. Also called: EPM2A-related condition.

Allele frequency attached by ClinVar (database versions not stated): gnomAD exomes below 0.00001.
gnomAD v4.1: 1 of 894,332 alleles (0.00011%); highest among the groups gnomAD compares: Non-Finnish European, 0.00014%; no homozygotes.

Submissions (2):

Ambry Genetics
Classification: Uncertain significance for Inborn genetic diseases. Last evaluated: 2025-12-08. Review status: criteria provided, single submitter. Criteria: Ambry Variant Classification Scheme 2023. Collection method: clinical testing. Allele origin: germline.

PreventionGenetics, part of Exact Sciences
Classification: Uncertain significance for EPM2A-related condition. Last evaluated: 2023-12-05. Review status: no assertion criteria provided. Collection method: clinical testing. Allele origin: germline. Not counted in ClinVar's aggregate classification.
Comment: The EPM2A c.133A>C variant is predicted to result in the amino acid substitution p.Thr45Pro. To our knowledge, this variant has not been reported in the literature or in a large population database, indicating this variant is rare. At this time, the clinical significance of this variant is uncertain due to the absence of conclusive functional and genetic evidence.